The following is an entry in ClinVar:

ClinVar aggregate classification (germline): Conflicting classifications of pathogenicity. Review status: criteria provided, conflicting classifications (1 of 4 stars). 4 submissions from 4 submitters: Uncertain significance (1); Likely benign (3). Last evaluated 2026-01-16.

Conditions:
Autoinflammatory syndrome. Identifiers: Orphanet 93665, MedGen C3890737, MONDO:0019751.
Porokeratosis 3, disseminated superficial actinic type (POROK3). Also called: POROKERATOSIS, DISSEMINATED SUPERFICIAL ACTINIC, 1; POROKERATOSIS 3, MULTIPLE TYPES; POROKERATOSIS 3, MIBELLI TYPE. Identifiers: MedGen C1867981, MONDO:0008293, OMIM 175900.
Mevalonic aciduria (MEVA). Identifiers: Orphanet 29, MedGen C1959626, MONDO:0012481, OMIM 610377.
Hyperimmunoglobulin D with periodic fever (HIDS). Also called: Hyperimmunoglobulinemia D with periodic fever; HYPERIMMUNOGLOBULINEMIA D AND PERIODIC FEVER SYNDROME; Hyperimmunoglobulinemia D. Identifiers: Orphanet 343, MedGen C0398691, MONDO:0009849, OMIM 260920.

Allele frequency attached by ClinVar (database versions not stated): gnomAD 0.00003 and 0.00004; gnomAD exomes 0.00006 and 0.00007; ExAC 0.00007; ESP Exome Variant Server 0.00008; TOPMed 0.00013.
gnomAD v4.1: 96 of 1,613,738 alleles (0.0059%); highest among the groups gnomAD compares: East Asian, 0.069%; no homozygotes.

Submissions (4):

Labcorp Genetics (formerly Invitae), Labcorp
Classification: Likely benign for Mevalonic aciduria; Hyperimmunoglobulin D with periodic fever; Porokeratosis 3, disseminated superficial actinic type. Last evaluated: 2026-01-16. Review status: criteria provided, single submitter. Criteria: Invitae Variant Classification Sherloc (09022015). Collection method: clinical testing. Allele origin: germline.

Mayo Clinic Laboratories, Mayo Clinic
Classification: Likely benign. Last evaluated: 2025-10-07. Review status: criteria provided, single submitter. Criteria: ACMG Guidelines, 2015. Collection method: clinical testing. Allele origin: germline. Observed: 1 variant allele.
Comment: BP4, BP7, PM2_supporting

Blueprint Genetics
Classification: Likely benign. Last evaluated: 2022-10-14. Review status: criteria provided, single submitter. Criteria: ACMG Guidelines, 2015. Collection method: clinical testing. Allele origin: germline.

Genome Diagnostics Laboratory, The Hospital for Sick Children
Classification: Uncertain significance for Autoinflammatory syndrome. Last evaluated: 2022-01-17. Review status: criteria provided, single submitter. Criteria: ACMG Guidelines, 2015. Collection method: clinical testing. Allele origin: germline. Affected: yes.

NM_000431.4(MVK):c.1039+7C>T

Gene: MVK (mevalonate kinase; plus strand). Cytogenetic location: 12q24.11.
Variant type: single nucleotide variant.
Coding change: c.1039+7C>T on transcript NM_000431.4 (MANE Select); 7 bases into the intron after coding-DNA position 1039, C replaced by T.
Molecular consequence: intron variant.
Genome position (GRCh38, 1-based): chr12:109,595,188, C>T. VCF-style: chr12-109595188-C-T. GRCh37 (hg19) VCF-style: chr12-110032993-C-T.
Other names: p.?; c.883+7C>T (NM_001301182.2); c.1039+7C>T (NM_001114185.3).
Identifiers: ClinVar variation 762863 (VCV000762863.15), dbSNP rs370291700, ClinGen allele CA6779431.